The following is an entry in ClinVar:

NM_133433.4(NIPBL):c.1643C>G (p.Ala548Gly)

Gene: NIPBL (NIPBL cohesin loading factor; plus strand). Cytogenetic location: 5p13.2.
Variant type: single nucleotide variant.
Coding change: c.1643C>G on transcript NM_133433.4 (MANE Select); coding-DNA position 1643, C replaced by G.
Protein change: p.Ala548Gly; replaces alanine 548 with glycine.
Molecular consequence: missense variant.
Genome position (GRCh38, 1-based): chr5:36,984,823, C>G. VCF-style: chr5-36984823-C-G. GRCh37 (hg19) VCF-style: chr5-36984925-C-G.
Other names: c.1643C>G, p.Ala548Gly (NM_015384.5); short protein forms A548G.
Identifiers: ClinVar variation 1363860 (VCV001363860.8), dbSNP rs2149643225, ClinGen allele CA359493533.
Genomic context (GRCh38, chr5:36,984,823, plus strand): 5'-CGGGTTCTACGGGAAATGGGTCAAGGCCAGCATTAATGGTTAGCATTGATCTTCATCAGG[C>G]AGGAAGAGTGGACTCTCAGGCTTCTATAACTCAGGATTCAGACTCCATAAAAAAGCCTGA-3'
Protein context (NP_597677.2, residues 538-558): ALMVSIDLHQ[Ala548Gly]GRVDSQASIT

ClinVar aggregate classification (germline): Uncertain significance (1 of 4 stars; one submission).

Conditions:
Cornelia de Lange syndrome 1 (CDLS1). Also called: NIPBL-Related Cornelia de Lange Syndrome; TYPUS DEGENERATIVUS AMSTELODAMENSIS; Brachmann de Lange syndrome. Identifiers: Orphanet 199, MedGen C4551851, MONDO:0007387, OMIM 122470.

Submission:

Labcorp Genetics (formerly Invitae), Labcorp
Classification: Uncertain significance for Cornelia de Lange syndrome 1. Last evaluated: 2020-12-26. Review status: criteria provided, single submitter. Criteria: Invitae Variant Classification Sherloc (09022015). Collection method: clinical testing. Allele origin: germline.
Comment: In summary, the available evidence is currently insufficient to determine the role of this variant in disease. Therefore, it has been classified as a Variant of Uncertain Significance. Advanced modeling of protein sequence and biophysical properties (such as structural, functional, and spatial information, amino acid conservation, physicochemical variation, residue mobility, and thermodynamic stability) performed at Invitae indicates that this missense variant is expected to disrupt NIPBL protein function. This variant has not been reported in the literature in individuals with NIPBL-related conditions. This variant is not present in population databases (ExAC no frequency). This sequence change replaces alanine with glycine at codon 548 of the NIPBL protein (p.Ala548Gly). The alanine residue is highly conserved and there is a small physicochemical difference between alanine and glycine.